The following is an entry in ClinVar:

ClinVar aggregate classification (germline): Pathogenic. Review status: criteria provided, multiple submitters, no conflicts (2 of 4 stars). 4 submissions from 4 submitters: Pathogenic (4). Last evaluated 2026-01-11.

Conditions:
Anemia, nonspherocytic hemolytic, due to G6PD deficiency (CNSHA1). Also called: Hemolytic anemia due to G6PD deficiency; Class I glucose-6-phosphate dehydrogenase deficiency; Favism, susceptibility to; ANEMIA, CONGENITAL, NONSPHEROCYTIC HEMOLYTIC, 1. Identifiers: Orphanet 466026, MedGen C2720289, MONDO:0010480, OMIM 300908.

Submissions (4):

Labcorp Genetics (formerly Invitae), Labcorp
Classification: Pathogenic for Anemia, nonspherocytic hemolytic, due to G6PD deficiency. Last evaluated: 2026-01-11. Review status: criteria provided, single submitter. Criteria: Invitae Variant Classification Sherloc (09022015). Collection method: clinical testing. Allele origin: germline.
Comment: This sequence change replaces arginine, which is basic and polar, with proline, which is neutral and non-polar, at codon 454 of the G6PD protein (p.Arg454Pro). This variant is not present in population databases (gnomAD no frequency). This missense change has been observed in individual(s) with G6PD deficiency (PMID: 39295190). ClinVar contains an entry for this variant (Variation ID: 1198343). Invitae Evidence Modeling of protein sequence and biophysical properties (such as structural, functional, and spatial information, amino acid conservation, physicochemical variation, residue mobility, and thermodynamic stability) indicates that this missense variant is expected to disrupt G6PD protein function with a positive predictive value of 95%. This variant disrupts the p.Arg454 amino acid residue in G6PD. Other variant(s) that disrupt this residue have been determined to be pathogenic (PMID: 2393028, 10221015, 12497642, 16088936, 22293322, 26823837). This suggests that this residue is clinically significant, and that variants that disrupt this residue are likely to be disease-causing. For these reasons, this variant has been classified as Pathogenic.

GeneDx
Classification: Pathogenic. Last evaluated: 2024-07-15. Review status: criteria provided, single submitter. Criteria: GeneDx Variant Classification Process June 2021. Collection method: clinical testing. Allele origin: germline. Affected: yes.
Comment: Not observed at significant frequency in large population cohorts (gnomAD); In silico analysis supports that this missense variant has a deleterious effect on protein structure/function; This variant is associated with the following publications: (PMID: 36681081, 33636823)

Baylor Genetics
Classification: Pathogenic for Anemia, nonspherocytic hemolytic, due to G6PD deficiency. Last evaluated: 2023-02-10. Review status: criteria provided, single submitter. Criteria: ACMG Guidelines, 2015. Collection method: clinical testing. Allele origin: unknown.

Dunham Lab, University of Washington
Classification: Pathogenic for Anemia, nonspherocytic hemolytic, due to G6PD deficiency. Last evaluated: 2022-08-12. Review status: criteria provided, single submitter. Criteria: Bayesian ACMG Guidelines, 2018. Collection method: curation. Allele origin: unknown. Affected: yes.
Comment: Decreased activity in red blood cells (5%) (PS3). Affects same amino acid as pathogenic 454R>C (ClinVar ID 93493) (PM5). In silico analyses support deleterious effect (PP3). Not found in gnomAD (PM2). Post_P 0.994 (odds of pathogenicity 1517, Prior_P 0.1).

Literature cited by the submitters: PubMed 39295190 (cited by Labcorp Genetics (formerly Invitae), Labcorp); PubMed 2393028 (cited by Labcorp Genetics (formerly Invitae), Labcorp); PubMed 10221015 (cited by Labcorp Genetics (formerly Invitae), Labcorp); PubMed 12497642 (cited by Labcorp Genetics (formerly Invitae), Labcorp); PubMed 16088936 (cited by Labcorp Genetics (formerly Invitae), Labcorp); PubMed 22293322 (cited by Labcorp Genetics (formerly Invitae), Labcorp); PubMed 26823837 (cited by Labcorp Genetics (formerly Invitae), Labcorp); PubMed 33636823 (cited by Dunham Lab, University of Washington).

NM_001360016.2(G6PD):c.1361G>C (p.Arg454Pro)

Gene: G6PD (glucose-6-phosphate dehydrogenase; minus strand). Cytogenetic location: Xq28.
Variant type: single nucleotide variant.
Coding change: c.1361G>C on transcript NM_001360016.2 (MANE Select); coding-DNA position 1361, G replaced by C.
Protein change: p.Arg454Pro; replaces arginine 454 with proline.
Molecular consequence: missense variant.
Genome position (GRCh38, 1-based): chrX:154,532,389, C>G on the plus strand (G>C on the coding strand, the complement: G6PD is on the minus strand). VCF-style: chrX-154532389-C-G. GRCh37 (hg19) VCF-style: chrX-153760604-C-G.
Other names: c.1451G>C, p.Arg484Pro (NM_000402.4); c.1361G>C, p.Arg454Pro (NM_001042351.3); short protein forms R454P, R484P.
Identifiers: ClinVar variation 1198343 (VCV001198343.7), dbSNP rs137852324, ClinGen allele CA415233621.